The following is an entry in ClinVar:

NM_001440.4(EXTL3):c.1999A>G (p.Met667Val)

Gene: EXTL3 (exostosin like glycosyltransferase 3; plus strand). Cytogenetic location: 8p21.1.
Variant type: single nucleotide variant.
Coding change: c.1999A>G on transcript NM_001440.4 (MANE Select); coding-DNA position 1999, A replaced by G.
Protein change: p.Met667Val; replaces methionine 667 with valine.
Molecular consequence: missense variant.
Genome position (GRCh38, 1-based): chr8:28,718,058, A>G. VCF-style: chr8-28718058-A-G. GRCh37 (hg19) VCF-style: chr8-28575575-A-G.
Other names: short protein forms M667V.
Identifiers: ClinVar variation 1396873 (VCV001396873.6), dbSNP rs377328753, ClinGen allele CA4696323.

ClinVar aggregate classification (germline): Uncertain significance. Review status: criteria provided, multiple submitters, no conflicts (2 of 4 stars). 2 submissions from 2 submitters: Uncertain significance (2). Last evaluated 2024-04-15.

Allele frequency attached by ClinVar (database versions not stated): ExAC 0.00002; gnomAD exomes 0.00002 and 0.00003; gnomAD 0.00004; ESP Exome Variant Server 0.00008.
gnomAD v4.1: 59 of 1,612,408 alleles (0.0037%); highest among the groups gnomAD compares: Non-Finnish European, 0.0044%; no homozygotes.

Submissions (2):

Blueprint Genetics
Classification: Uncertain significance. Last evaluated: 2024-04-15. Review status: criteria provided, single submitter. Criteria: ACMG Guidelines, 2015. Collection method: clinical testing. Allele origin: germline.

Labcorp Genetics (formerly Invitae), Labcorp
Classification: Uncertain significance. Last evaluated: 2021-09-01. Review status: criteria provided, single submitter. Criteria: Invitae Variant Classification Sherloc (09022015). Collection method: clinical testing. Allele origin: germline.
Comment: This sequence change replaces methionine with valine at codon 667 of the EXTL3 protein (p.Met667Val). The methionine residue is highly conserved and there is a small physicochemical difference between methionine and valine. This variant is present in population databases (rs377328753, ExAC 0.004%). This variant has not been reported in the literature in individuals affected with EXTL3-related conditions. Algorithms developed to predict the effect of missense changes on protein structure and function are either unavailable or do not agree on the potential impact of this missense change (SIFT: "Deleterious"; PolyPhen-2: "Benign"; Align-GVGD: "Class C0"). In summary, the available evidence is currently insufficient to determine the role of this variant in disease. Therefore, it has been classified as a Variant of Uncertain Significance.